The following is an entry in ClinVar:

ClinVar aggregate classification (germline): Uncertain significance (1 of 4 stars; one submission).

Conditions:
Cardiovascular phenotype. Identifiers: MedGen CN230736.

Submission:

Ambry Genetics
Classification: Uncertain significance for Cardiovascular phenotype. Last evaluated: 2024-03-30. Review status: criteria provided, single submitter. Criteria: Ambry Variant Classification Scheme 2023. Collection method: clinical testing. Allele origin: germline.
Comment: The p.E1825K variant (also known as c.5473G>A), located in coding exon 34 of the MYH6 gene, results from a G to A substitution at nucleotide position 5473. The glutamic acid at codon 1825 is replaced by lysine, an amino acid with similar properties. This amino acid position is conserved. In addition, this alteration is predicted to be deleterious by in silico analysis. Based on the available evidence, the clinical significance of this alteration remains unclear.

NM_002471.4(MYH6):c.5473G>A (p.Glu1825Lys)

Gene: MYH6 (myosin heavy chain 6; minus strand). Cytogenetic location: 14q11.2.
Variant type: single nucleotide variant.
Coding change: c.5473G>A on transcript NM_002471.4 (MANE Select); coding-DNA position 5473, G replaced by A.
Protein change: p.Glu1825Lys; replaces glutamic acid 1825 with lysine.
Molecular consequence: missense variant.
Genome position (GRCh38, 1-based): chr14:23,384,534, C>T on the plus strand (G>A on the coding strand, the complement: MYH6 is on the minus strand). VCF-style: chr14-23384534-C-T. GRCh37 (hg19) VCF-style: chr14-23853743-C-T.
Other names: short protein forms E1825K.
Identifiers: ClinVar variation 3297479 (VCV003297479.1).